The following is an entry in ClinVar:

NM_003922.4(HERC1):c.6132A>G (p.Leu2044=)

Gene: HERC1 (HECT and RLD domain containing E3 ubiquitin protein ligase family member 1; minus strand). Cytogenetic location: 15q22.31.
Variant type: single nucleotide variant.
Coding change: c.6132A>G on transcript NM_003922.4 (MANE Select); coding-DNA position 6132, A replaced by G.
Protein change: p.Leu2044=; no amino-acid change (leucine 2044 retained).
Molecular consequence: synonymous variant.
Genome position (GRCh38, 1-based): chr15:63,686,452, T>C on the plus strand (A>G on the coding strand, the complement: HERC1 is on the minus strand). VCF-style: chr15-63686452-T-C. GRCh37 (hg19) VCF-style: chr15-63978651-T-C.
Identifiers: ClinVar variation 4085647 (VCV004085647.8).
Genomic context (GRCh38, chr15:63,686,452, plus strand): 5'-AGATGCCAATCCATATCCTTTCCCTCCACTGCCGTGAGTTAAAATCTGTCCATTCTCCAC[T>C]AGGCAACACTGAGCTTTCTCCGGGTCAAAGGATACTTCTTGGATAGGAAGATTCTCATCT-3'
Protein context (NP_003913.3, residues 2034-2054): SFDPEKAQCC[Leu2044=]VENGQILTHG

ClinVar aggregate classification (germline): Likely benign (1 of 4 stars; one submission).

Submission:

CeGaT Center for Human Genetics Tuebingen
Classification: Likely benign. Last evaluated: 2025-08-01. Review status: criteria provided, single submitter. Criteria: CeGaT Center For Human Genetics Tuebingen Variant Classification Criteria Version 2. Collection method: clinical testing. Allele origin: germline. Affected: yes. Observed: 1 variant allele.
Comment: HERC1: PM2:Supporting, BP4, BP7